The following is an entry in ClinVar:

NM_001042492.3(NF1):c.7962T>G (p.Phe2654Leu)

Gene: NF1 (neurofibromin 1; plus strand). Cytogenetic location: 17q11.2.
Variant type: single nucleotide variant.
Coding change: c.7962T>G on transcript NM_001042492.3 (MANE Select); coding-DNA position 7962, T replaced by G.
Protein change: p.Phe2654Leu; replaces phenylalanine 2654 with leucine.
Molecular consequence: missense variant.
Genome position (GRCh38, 1-based): chr17:31,357,361, T>G. VCF-style: chr17-31357361-T-G. GRCh37 (hg19) VCF-style: chr17-29684379-T-G.
Other names: c.7899T>G, p.Phe2633Leu (NM_000267.4); short protein forms F2633L, F2654L.
Identifiers: ClinVar variation 827316 (VCV000827316.10), dbSNP rs1597867008, ClinGen allele CA399203554.
Genomic context (GRCh38, chr17:31,357,361, plus strand): 5'-TGATCAACGAATTCTTTATGAATACTTAGCAGAGGCCAGTGTTGTGTTTCCCAAAGTCTT[T>G]CCTGTTGTGTAAGTATCTCCTTTTGATTTTAATTCACCTTCGTGCCTGTCTTTAAGTTAA-3'
Protein context (NP_001035957.1, residues 2644-2664): AEASVVFPKV[Phe2654Leu]PVVHNLLDSK

ClinVar aggregate classification (germline): Uncertain significance. Review status: criteria provided, multiple submitters, no conflicts (2 of 4 stars). 3 submissions from 3 submitters: Uncertain significance (3). Last evaluated 2024-10-15.

Conditions:
Hereditary cancer-predisposing syndrome. Also called: Neoplastic Syndromes, Hereditary; Hereditary Cancer Syndrome; Hereditary neoplastic syndrome; Tumor predisposition. Identifiers: Orphanet 140162, MedGen C0027672, MeSH D009386, MONDO:0015356.
Cardiovascular phenotype. Identifiers: MedGen CN230736.
Neurofibromatosis, type 1 (NF1). Also called: Neurofibromatosis, type I; Peripheral type neurofibromatosis; VON RECKLINGHAUSEN DISEASE; NEUROFIBROMATOSIS, TYPE I, SOMATIC. Identifiers: Orphanet 636, MedGen C0027831, MONDO:0018975, OMIM 162200. Disease mechanism: loss of function.

Submissions (3):

Labcorp Genetics (formerly Invitae), Labcorp
Classification: Uncertain significance for Neurofibromatosis, type 1. Last evaluated: 2024-10-15. Review status: criteria provided, single submitter. Criteria: Invitae Variant Classification Sherloc (09022015). Collection method: clinical testing. Allele origin: germline.
Comment: This sequence change replaces phenylalanine, which is neutral and non-polar, with leucine, which is neutral and non-polar, at codon 2633 of the NF1 protein (p.Phe2633Leu). This variant is not present in population databases (gnomAD no frequency). This variant has not been reported in the literature in individuals affected with NF1-related conditions. ClinVar contains an entry for this variant (Variation ID: 827316). Invitae Evidence Modeling of protein sequence and biophysical properties (such as structural, functional, and spatial information, amino acid conservation, physicochemical variation, residue mobility, and thermodynamic stability) has been performed for this missense variant. However, the output from this modeling did not meet the statistical confidence thresholds required to predict the impact of this variant on NF1 protein function. In summary, the available evidence is currently insufficient to determine the role of this variant in disease. Therefore, it has been classified as a Variant of Uncertain Significance.

Ambry Genetics
Classification: Uncertain significance for Cardiovascular phenotype; Hereditary cancer-predisposing syndrome. Last evaluated: 2023-06-30. Review status: criteria provided, single submitter. Criteria: Ambry Variant Classification Scheme 2023. Collection method: clinical testing. Allele origin: germline.
Comment: The p.F2633L variant (also known as c.7899T>G), located in coding exon 53 of the NF1 gene, results from a T to G substitution at nucleotide position 7899. The phenylalanine at codon 2633 is replaced by leucine, an amino acid with highly similar properties. This amino acid position is highly conserved in available vertebrate species. In addition, the in silico prediction for this alteration is inconclusive. Since supporting evidence is limited at this time, the clinical significance of this alteration remains unclear.

GeneDx
Classification: Uncertain significance. Last evaluated: 2022-07-01. Review status: criteria provided, single submitter. Criteria: GeneDx Variant Classification Process June 2021. Collection method: clinical testing. Allele origin: germline. Affected: yes.
Comment: Not observed at significant frequency in large population cohorts (gnomAD); In silico analysis supports that this missense variant has a deleterious effect on protein structure/function; Has not been previously published as pathogenic or benign to our knowledge